The following is an entry in ClinVar:

ClinVar aggregate classification (germline): Uncertain significance (1 of 4 stars; one submission).

Conditions:
Hereditary cancer-predisposing syndrome. Also called: Tumor predisposition; Neoplastic Syndromes, Hereditary; Hereditary neoplastic syndrome; Hereditary Cancer Syndrome. Identifiers: Orphanet 140162, MedGen C0027672, MeSH D009386, MONDO:0015356.

Submission:

Ambry Genetics
Classification: Uncertain significance for Hereditary cancer-predisposing syndrome. Last evaluated: 2024-08-31. Review status: criteria provided, single submitter. Criteria: Ambry Variant Classification Scheme 2023. Collection method: clinical testing. Allele origin: germline.
Comment: The p.P11S variant (also known as c.31C>T), located in coding exon 2 of the SMARCE1 gene, results from a C to T substitution at nucleotide position 31. The proline at codon 11 is replaced by serine, an amino acid with similar properties. This amino acid position is conserved. In addition, this alteration is predicted to be tolerated by in silico analysis. Based on the available evidence, the clinical significance of this variant remains unclear.

NM_003079.5(SMARCE1):c.31C>T (p.Pro11Ser)

Gene: SMARCE1 (SWI/SNF related BAF chromatin remodeling complex subunit E1; minus strand). Cytogenetic location: 17q21.2.
Variant type: single nucleotide variant.
Coding change: c.31C>T on transcript NM_003079.5 (MANE Select); coding-DNA position 31, C replaced by T.
Protein change: p.Pro11Ser; replaces proline 11 with serine.
Molecular consequence: missense variant.
Genome position (GRCh38, 1-based): chr17:40,645,596, G>A on the plus strand (C>T on the coding strand, the complement: SMARCE1 is on the minus strand). VCF-style: chr17-40645596-G-A. GRCh37 (hg19) VCF-style: chr17-38801848-G-A.
Other names: short protein forms P11S.
Identifiers: ClinVar variation 3446143 (VCV003446143.1).